The following is an entry in ClinVar:

NM_001372106.1(DNAH10):c.891T>C (p.Ser297=)

Gene: DNAH10 (dynein axonemal heavy chain 10; plus strand). Cytogenetic location: 12q24.31.
Variant type: single nucleotide variant.
Coding change: c.891T>C on transcript NM_001372106.1 (MANE Select); coding-DNA position 891, T replaced by C.
Protein change: p.Ser297=; no amino-acid change (serine 297 retained).
Molecular consequence: synonymous variant.
Genome position (GRCh38, 1-based): chr12:123,783,156, T>C. VCF-style: chr12-123783156-T-C. GRCh37 (hg19) VCF-style: chr12-124267703-T-C.
Other names: c.708T>C, p.Ser236= (NM_207437.3).
Identifiers: ClinVar variation 402613 (VCV000402613.5), dbSNP rs11057355, ClinGen allele CA6862583.

ClinVar aggregate classification (germline): Benign. Review status: criteria provided, multiple submitters, no conflicts (2 of 4 stars). 2 submissions from 2 submitters: Benign (2). Last evaluated 2016-03-29.

Allele frequency attached by ClinVar (database versions not stated): gnomAD exomes 0.61405 and 0.67252; ESP Exome Variant Server 0.66677; ExAC 0.67024; gnomAD 0.67681 and 0.68248; TOPMed 0.69293; 1000 Genomes Project 30x 0.79685; 1000 Genomes Project 0.80132.
gnomAD v4.1: 1,002,871 of 1,613,770 alleles (62%); highest among the groups gnomAD compares: East Asian, 100%; 318,239 homozygotes.

Submissions (2):

Laboratory for Molecular Medicine, Mass General Brigham Personalized Medicine
Classification: Benign. Last evaluated: 2016-03-29. Review status: criteria provided, single submitter. Criteria: LMM Criteria. Collection method: clinical testing. Allele origin: germline.
Comment: Variant identified in a genome or exome case(s) and assessed due to predicted null impact of the variant or pathogenic assertions in the literature or databases. Disclaimer: This variant has not undergone full assessment. The following are preliminary notes: Frequency

Breakthrough Genomics
Classification: Benign. Review status: criteria provided, single submitter. Criteria: ACMG Guidelines, 2015. Collection method: not provided. Allele origin: germline. Inheritance: Autosomal recessive inheritance. Affected: yes.